The following is an entry in ClinVar:

NM_198994.3(TGM6):c.1679-11T>C

Gene: TGM6 (transglutaminase 6; plus strand). Cytogenetic location: 20p13.
Variant type: single nucleotide variant.
Coding change: c.1679-11T>C on transcript NM_198994.3 (MANE Select); 11 bases into the intron before coding-DNA position 1679, T replaced by C.
Molecular consequence: intron variant.
Genome position (GRCh38, 1-based): chr20:2,430,435, T>C. VCF-style: chr20-2430435-T-C. GRCh37 (hg19) VCF-style: chr20-2411081-T-C.
Other names: c.1679-11T>C (NM_001254734.2).
Identifiers: ClinVar variation 2506129 (VCV002506129.1), dbSNP rs2514402711, ClinGen allele CA509389240.
Genomic context (GRCh38, chr20:2,430,435, plus strand): 5'-CCCTTCCTTCTTCCCAGTGCCATTGAAGAAAGACATCAAGCCCCAACTCCCACTTCTGCT[T>C]TCCCTTCCAGAGAAGAGAATCCCAATTACAATATCTTACTCTAAGTATAAAGAAGACCTG-3'

ClinVar aggregate classification (germline): Uncertain significance (1 of 4 stars; one submission).

Allele frequency attached by ClinVar (database versions not stated): gnomAD exomes below 0.00001.
gnomAD v4.1: 2 of 1,614,178 alleles (0.00012%); highest among the groups gnomAD compares: Non-Finnish European, 0.000085%; no homozygotes.

Submission:

Women's Health and Genetics/Laboratory Corporation of America, LabCorp
Classification: Uncertain significance. Last evaluated: 2023-05-30. Review status: criteria provided, single submitter. Criteria: LabCorp Variant Classification Summary - May 2015. Collection method: clinical testing. Allele origin: germline.
Comment: Variant summary: TGM6 c.1679-11T>C alters a conserved nucleotide located close to a canonical splice site and therefore could affect mRNA splicing, leading to a significantly altered protein sequence. 4/4 computational tools predict no significant impact on normal splicing. However, these predictions have yet to be confirmed by functional studies. The variant was absent in 251332 control chromosomes. The available data on variant occurrences in the general population are insufficient to allow any conclusion about variant significance. To our knowledge, no occurrence of c.1679-11T>C in individuals affected with Spinocerebellar Ataxia 35 and no experimental evidence demonstrating its impact on protein function have been reported. No clinical diagnostic laboratories have submitted clinical-significance assessments for this variant to ClinVar after 2014. Based on the evidence outlined above, the variant was classified as uncertain significance.